The following is an entry in ClinVar:

ClinVar aggregate classification (germline): Uncertain significance (1 of 4 stars; one submission).

Conditions:
Autoimmune lymphoproliferative syndrome type 2A (ALPS2A). Also called: AUTOIMMUNE LYMPHOPROLIFERATIVE SYNDROME, TYPE IIA; CASP10-Related Autoimmune Lymphoproliferative Syndrome; Autoimmune lymphoproliferative syndrome type 2. Identifiers: Orphanet 3261, MedGen C1858968, MONDO:0011383, OMIM 603909.

gnomAD v4.1: 5 of 1,605,446 alleles (0.00031%); highest among the groups gnomAD compares: Admixed American, 0.0017%; no homozygotes.

Submission:

Labcorp Genetics (formerly Invitae), Labcorp
Classification: Uncertain significance for Autoimmune lymphoproliferative syndrome type 2A. Last evaluated: 2025-02-24. Review status: criteria provided, single submitter. Criteria: Invitae Variant Classification Sherloc (09022015). Collection method: clinical testing. Allele origin: germline.
Comment: This sequence change affects an acceptor splice site in intron 4 of the CASP10 gene. It is expected to disrupt RNA splicing. Variants that disrupt the donor or acceptor splice site typically lead to a loss of protein function (PMID: 16199547), however the current clinical and genetic evidence is not sufficient to establish whether loss-of-function variants in CASP10 cause disease. This variant is present in population databases (rs753282118, gnomAD 0.003%). This variant has not been reported in the literature in individuals affected with CASP10-related conditions. Algorithms developed to predict the effect of sequence changes on RNA splicing suggest that this variant may disrupt the consensus splice site. In summary, the available evidence is currently insufficient to determine the role of this variant in disease. Therefore, it has been classified as a Variant of Uncertain Significance.

Literature cited by the submitters: PubMed 16199547.

NM_032977.4(CASP10):c.578-1G>T

Gene: CASP10 (caspase 10; plus strand). Cytogenetic location: 2q33.1.
Variant type: single nucleotide variant.
Coding change: c.578-1G>T on transcript NM_032977.4 (MANE Select); the canonical splice acceptor site of the intron before coding-DNA position 578, G replaced by T.
Molecular consequence: splice acceptor variant.
Genome position (GRCh38, 1-based): chr2:201,195,841, G>T. VCF-style: chr2-201195841-G-T. GRCh37 (hg19) VCF-style: chr2-202060564-G-T.
Other names: c.578-1G>T (NM_032974.5, NM_001206542.2, NM_032976.4 and 3 more transcripts).
Identifiers: ClinVar variation 3763750 (VCV003763750.2).